The following is an entry in ClinVar:

NM_201525.4(ADGRG1):c.1048G>A (p.Val350Ile)

Gene: ADGRG1 (adhesion G protein-coupled receptor G1; plus strand). Cytogenetic location: 16q21.
Variant type: single nucleotide variant.
Coding change: c.1048G>A on transcript NM_201525.4 (MANE Select); coding-DNA position 1048, G replaced by A.
Protein change: p.Val350Ile; replaces valine 350 with isoleucine.
Molecular consequence: missense variant.
Genome position (GRCh38, 1-based): chr16:57,656,256, G>A. VCF-style: chr16-57656256-G-A. GRCh37 (hg19) VCF-style: chr16-57690168-G-A.
Other names: c.1048G>A, p.Val350Ile (NM_001145770.3, NM_001145771.3, NM_001145772.3 and 14 more transcripts); c.1063G>A, p.Val355Ile (NM_001145773.3, NM_001370433.1); c.538G>A, p.Val180Ile (NM_001290142.2); c.523G>A, p.Val175Ile (NM_001290143.2, NM_001290144.2, NM_001370451.1 and 2 more transcripts); c.1045G>A, p.Val349Ile (NM_001370434.1, NM_001370441.1); c.892G>A, p.Val298Ile (NM_001370442.1); short protein forms V350I, V355I, V298I, V175I, V180I, V349I.
Identifiers: ClinVar variation 158613 (VCV000158613.7), dbSNP rs587783649, ClinGen allele CA271520.
Genomic context (GRCh38, chr16:57,656,256, plus strand): 5'-AGAAACCACTCTCCTTTCTTGTCCCTACAGAAGAATGTGACTCTGCAATGTGTGTTCTGG[G>A]TTGAAGACCCCACATGTGAGTATGCAGGGGTCTCTGGGCTGGACAAGTATCTGGAAGAGA-3'
Protein context (NP_958933.1, residues 340-360): KNVTLQCVFW[Val350Ile]EDPTLSSPGH

ClinVar aggregate classification (germline): Uncertain significance. Review status: criteria provided, multiple submitters, no conflicts (2 of 4 stars). 2 submissions from 2 submitters: Uncertain significance (2). Last evaluated 2022-07-05.

Conditions:
Bilateral frontoparietal polymicrogyria. Also called: CORTICAL DYSPLASIA, COMPLEX, WITH OTHER BRAIN MALFORMATIONS 14A (BILATERAL FRONTOPARIETAL); CEREBELLAR ATAXIA WITH NEURONAL MIGRATION DEFECT. Identifiers: Orphanet 101070, MedGen C1847352, MONDO:0011738, OMIM 606854.

Allele frequency attached by ClinVar (database versions not stated): gnomAD exomes below 0.00001 and 0.00001; gnomAD 0.00003; ExAC 0.00001.
gnomAD v4.1: 8 of 1,613,540 alleles (0.0005%); highest among the groups gnomAD compares: Middle Eastern, 0.016%; no homozygotes.

Submissions (2):

Labcorp Genetics (formerly Invitae), Labcorp
Classification: Uncertain significance. Last evaluated: 2022-07-05. Review status: criteria provided, single submitter. Criteria: Invitae Variant Classification Sherloc (09022015). Collection method: clinical testing. Allele origin: germline.
Comment: This sequence change replaces valine, which is neutral and non-polar, with isoleucine, which is neutral and non-polar, at codon 350 of the ADGRG1 protein (p.Val350Ile). This variant is present in population databases (rs587783649, gnomAD 0.0008%). This variant has not been reported in the literature in individuals affected with ADGRG1-related conditions. ClinVar contains an entry for this variant (Variation ID: 158613). Advanced modeling of protein sequence and biophysical properties (such as structural, functional, and spatial information, amino acid conservation, physicochemical variation, residue mobility, and thermodynamic stability) performed at Invitae indicates that this missense variant is not expected to disrupt ADGRG1 protein function. In summary, the available evidence is currently insufficient to determine the role of this variant in disease. Therefore, it has been classified as a Variant of Uncertain Significance.

Genetic Services Laboratory, University of Chicago
Classification: Uncertain significance for Polymicrogyria, bilateral frontoparietal. Last evaluated: 2013-05-06. Review status: criteria provided, single submitter. Criteria: ACMG Guidelines, 2007. Collection method: clinical testing. Allele origin: germline. Inheritance: Autosomal recessive inheritance.